The following is an entry in ClinVar:

ClinVar aggregate classification (germline): Uncertain significance (1 of 4 stars; one submission).

Conditions:
Bethlem myopathy 1A. Also called: Bethlem myopathy 1; MYOPATHY, BENIGN CONGENITAL, WITH CONTRACTURES; Bethlem Muscular Dystrophy. Identifiers: Orphanet 610, MedGen CN029274, MONDO:0024530, OMIM 158810.

Allele frequency attached by ClinVar (database versions not stated): gnomAD exomes below 0.00001; ExAC 0.00001.
gnomAD v4.1: 2 of 1,606,048 alleles (0.00012%); highest among the groups gnomAD compares: Non-Finnish European, 0.00017%; no homozygotes.

Submission:

Labcorp Genetics (formerly Invitae), Labcorp
Classification: Uncertain significance for Bethlem myopathy 1A. Last evaluated: 2024-10-18. Review status: criteria provided, single submitter. Criteria: Invitae Variant Classification Sherloc (09022015). Collection method: clinical testing. Allele origin: germline.
Comment: This sequence change replaces threonine, which is neutral and polar, with isoleucine, which is neutral and non-polar, at codon 2433 of the COL6A3 protein (p.Thr2433Ile). This variant is not present in population databases (gnomAD no frequency). This variant has not been reported in the literature in individuals affected with COL6A3-related conditions. ClinVar contains an entry for this variant (Variation ID: 1911286). Invitae Evidence Modeling of protein sequence and biophysical properties (such as structural, functional, and spatial information, amino acid conservation, physicochemical variation, residue mobility, and thermodynamic stability) indicates that this missense variant is expected to disrupt COL6A3 protein function with a positive predictive value of 80%. In summary, the available evidence is currently insufficient to determine the role of this variant in disease. Therefore, it has been classified as a Variant of Uncertain Significance.

NM_004369.4(COL6A3):c.7298C>T (p.Thr2433Ile)

Gene: COL6A3 (collagen type VI alpha 3 chain; minus strand). Cytogenetic location: 2q37.3.
Variant type: single nucleotide variant.
Coding change: c.7298C>T on transcript NM_004369.4 (MANE Select); coding-DNA position 7298, C replaced by T.
Protein change: p.Thr2433Ile; replaces threonine 2433 with isoleucine.
Molecular consequence: missense variant.
Genome position (GRCh38, 1-based): chr2:237,344,720, G>A on the plus strand (C>T on the coding strand, the complement: COL6A3 is on the minus strand). VCF-style: chr2-237344720-G-A. GRCh37 (hg19) VCF-style: chr2-238253363-G-A.
Other names: c.5477C>T, p.Thr1826Ile (NM_057166.5); c.6680C>T, p.Thr2227Ile (NM_057167.4); short protein forms T1826I, T2227I, T2433I.
Identifiers: ClinVar variation 1911286 (VCV001911286.5), dbSNP rs756263907, ClinGen allele CA2187835.